The following is an entry in ClinVar:

NM_014875.3(KIF14):c.3114+3A>G

Gene: KIF14 (kinesin family member 14; minus strand). Cytogenetic location: 1q32.1.
Variant type: single nucleotide variant.
Coding change: c.3114+3A>G on transcript NM_014875.3 (MANE Select); 3 bases into the intron after coding-DNA position 3114, A replaced by G.
Molecular consequence: intron variant.
Genome position (GRCh38, 1-based): chr1:200,589,214, T>C on the plus strand (A>G on the coding strand, the complement: KIF14 is on the minus strand). VCF-style: chr1-200589214-T-C. GRCh37 (hg19) VCF-style: chr1-200558342-T-C.
Other names: c.1641+3A>G (NM_001305792.1).
Identifiers: ClinVar variation 3257469 (VCV003257469.17).
Genomic context (GRCh38, chr1:200,589,214, plus strand): 5'-CTTTGAAAAAAAAAATCCAGCTTTTTCTCAGAATAGAGTTAACTGGTTACACAATAAAAT[T>C]ACCTGTTTTGTAGCCAATGTTTCCATTTCTAATCGCTTTTTGTTGACATATATTTCCTGT-3'

ClinVar aggregate classification (germline): Uncertain significance (1 of 4 stars; one submission).

gnomAD v4.1: 5 of 1,593,416 alleles (0.00031%); highest among the groups gnomAD compares: Non-Finnish European, 0.00043%; no homozygotes.

Submission:

CeGaT Center for Human Genetics Tuebingen
Classification: Uncertain significance. Last evaluated: 2024-07-01. Review status: criteria provided, single submitter. Criteria: CeGaT Center For Human Genetics Tuebingen Variant Classification Criteria Version 2. Collection method: clinical testing. Allele origin: germline. Affected: yes. Observed: 1 variant allele.
Comment: KIF14: PM2, BP4